The following is an entry in ClinVar:

ClinVar aggregate classification (germline): Uncertain significance. Review status: criteria provided, multiple submitters, no conflicts (2 of 4 stars). 4 submissions from 4 submitters: Uncertain significance (4). Last evaluated 2026-06-15.

Conditions:
TNXB-related disorder. Also called: TNXB-related condition.
Cardiovascular phenotype. Identifiers: MedGen CN230736.
Ehlers-Danlos syndrome due to tenascin-X deficiency (EDSCLL1). Also called: EDS DUE TO TNX DEFICIENCY; EHLERS-DANLOS SYNDROME, CLASSIC-LIKE; Ehlers-Danlos syndrome, classic-like, 1; TNXB-Related Classical-Like Ehlers-Danlos Syndrome; TNX DEFICIENCY. Identifiers: Orphanet 230839, MedGen C1848029, MONDO:0011670, OMIM 606408.

Submissions (4):

PreventionGenetics, part of Exact Sciences
Classification: Uncertain significance for TNXB-related condition. Last evaluated: 2026-06-15. Review status: criteria provided, single submitter. Criteria: ACMG Guidelines, 2015. Collection method: clinical testing. Allele origin: germline.
Comment: The TNXB c.1263_1448del186 variant is predicted to result in an in-frame deletion (p.Thr428_Gly489del). To our knowledge, this variant has not been reported in the literature. This variant is reported in 0.0% of alleles in individuals of African descent in gnomAD. At this time, the clinical significance of this variant is uncertain due to the absence of conclusive functional and genetic evidence.

Women's Health and Genetics/Laboratory Corporation of America, LabCorp
Classification: Uncertain significance. Last evaluated: 2026-03-09. Review status: criteria provided, single submitter. Criteria: LabCorp Variant Classification Summary - May 2015. Collection method: clinical testing. Allele origin: germline.
Comment: Variant summary: TNXB c.1263_1448del186 (p.Thr428_Gly489del) results in an in-frame deletion that is predicted to remove 62 amino acids from the encoded protein. The variant was absent in 195350 control chromosomes. The available data on variant occurrences in the general population are insufficient to allow any conclusion about variant significance. To our knowledge, no occurrence of c.1263_1448del186 in individuals affected with TNXB-related conditions and no experimental evidence demonstrating its impact on protein function have been reported. No Likely Pathogenic/Pathogenic in-frame/missense variants within the deleted region have been reported. ClinVar contains an entry for this variant (Variation ID: 1299027). Based on the evidence outlined above, the variant was classified as uncertain significance.

Ambry Genetics
Classification: Uncertain significance for Cardiovascular phenotype. Last evaluated: 2024-01-29. Review status: criteria provided, single submitter. Criteria: Ambry Variant Classification Scheme 2023. Collection method: clinical testing. Allele origin: germline.
Comment: The c.1263_1448del186 variant (also known as p.T428_G489del) is located in coding exon 2 of the TNXB gene. This variant results from an in-frame deletion of 186 nucleotides at positions 1263 to 1448. This results in the deletion of 62 amino acids between codons 428 and 489. In addition, this alteration is predicted to be deleterious by in silico analysis (Choi Y et al. PLoS ONE. 2012; 7(10):e46688). Since supporting evidence is limited at this time, the clinical significance of this alteration remains unclear.

CeGaT Center for Human Genetics Tuebingen
Classification: Uncertain significance. Last evaluated: 2021-09-01. Review status: criteria provided, single submitter. Criteria: CeGaT Center For Human Genetics Tuebingen Variant Classification Criteria Version 2. Collection method: clinical testing. Allele origin: germline. Affected: yes. Observed: 1 variant allele.

NM_001365276.2(TNXB):c.1263_1448del (p.Thr428_Gly489del)

Gene: TNXB (tenascin XB; minus strand). Cytogenetic location: 6p21.33.
Variant type: Deletion.
Coding change: c.1263_1448del on transcript NM_001365276.2 (MANE Select); coding-DNA positions 1263 to 1448, 186 bases deleted.
Protein change: p.Thr428_Gly489del.
Molecular consequence: inframe deletion.
Genome position (GRCh38, 1-based): chr6:32,096,405-32,096,590, 186 bases deleted. GRCh37 (hg19): chr6:32,064,186-32,064,371.
Other names: c.1263_1448del, p.Thr428_Gly489del (NM_019105.8); c.1263_1448del186 (NM_019105.8).
Identifiers: ClinVar variation 1299027 (VCV001299027.41), dbSNP rs2127289918, ClinGen allele CA566695325.